The following is an entry in ClinVar:

NM_005263.5(GFI1):c.145G>A (p.Ala49Thr)

Gene: GFI1 (growth factor independent 1 transcriptional repressor; minus strand). Cytogenetic location: 1p22.1.
Variant type: single nucleotide variant.
Coding change: c.145G>A on transcript NM_005263.5 (MANE Select); coding-DNA position 145, G replaced by A.
Protein change: p.Ala49Thr; replaces alanine 49 with threonine.
Molecular consequence: missense variant.
Genome position (GRCh38, 1-based): chr1:92,483,017, C>T on the plus strand (G>A on the coding strand, the complement: GFI1 is on the minus strand). VCF-style: chr1-92483017-C-T. GRCh37 (hg19) VCF-style: chr1-92948574-C-T.
Other names: c.145G>A, p.Ala49Thr (NM_001127215.3, NM_001127216.3); short protein forms A49T.
Identifiers: ClinVar variation 4827138 (VCV004827138.1).
Genomic context (GRCh38, chr1:92,483,017, plus strand): 5'-AGGCTCTGTCTGGGGCTTCGGTCAGCTGCGATTCGGGGGACAAACGGTCCCGGGGCTCCG[C>T]CTTCGCCCCGCCTGCATTTGAAGTGCTGTCTGCAAAGAGGAGGCAGGTGAGGGGCTCAGG-3'
Protein context (NP_005254.2, residues 39-59): DSTSNAGGAK[Ala49Thr]EPRDRLSPES

ClinVar aggregate classification (germline): Uncertain significance (1 of 4 stars; one submission).

Submission:

Ambry Genetics
Classification: Uncertain significance. Last evaluated: 2026-03-12. Review status: criteria provided, single submitter. Criteria: Ambry Variant Classification Scheme 2023. Collection method: clinical testing. Allele origin: germline.
Comment: The p.A49T variant (also known as c.145G>A), located in coding exon 2 of the GFI1 gene, results from a G to A substitution at nucleotide position 145. The alanine at codon 49 is replaced by threonine, an amino acid with similar properties. This amino acid position is conserved. In addition, this alteration is predicted to be tolerated by in silico analysis. Based on the available evidence, the clinical significance of this variant remains unclear.